The following is an entry in ClinVar:

ClinVar aggregate classification (germline): Uncertain significance (1 of 4 stars; one submission).

Conditions:
Leigh syndrome (NULS). Also called: Leigh's syndrome; Leigh's necrotizing encephalopathy; Leigh's disease; Leigh Disease; Leigh Syndrome (mtDNA deletion); Subacute necrotizing encephalopathy. Identifiers: Orphanet 506, MedGen C2931891, MONDO:0009723, OMIM 256000.

Submission:

Institute of Human Genetics, University of Leipzig Medical Center
Classification: Uncertain significance for Leigh syndrome. Last evaluated: 2025-03-04. Review status: criteria provided, single submitter. Criteria: ACMG Guidelines, 2015. Collection method: clinical testing. Allele origin: maternal. Inheritance: Mitochondrial inheritance. Affected: yes.
Comment: Criteria applied: PM2,PP3

NC_012920.1(MT-ATP6):m.8915C>T

Gene: MT-ATP6 (mitochondrially encoded ATP synthase 6; plus strand).
Variant type: single nucleotide variant.
Genome position: chrM-8915-C-T.
Identifiers: ClinVar variation 3773663 (VCV003773663.2).